The following is an entry in ClinVar:

ClinVar aggregate classification (germline): Uncertain significance (1 of 4 stars; one submission).

Allele frequency attached by ClinVar (database versions not stated): TOPMed 0.00001; gnomAD 0.00002; ESP Exome Variant Server 0.00008.
gnomAD v4.1: 7 of 1,613,558 alleles (0.00043%); highest among the groups gnomAD compares: Admixed American, 0.0033%; no homozygotes.

Submission:

Labcorp Genetics (formerly Invitae), Labcorp
Classification: Uncertain significance. Last evaluated: 2022-08-22. Review status: criteria provided, single submitter. Criteria: Invitae Variant Classification Sherloc (09022015). Collection method: clinical testing. Allele origin: germline.
Comment: This sequence change replaces arginine, which is basic and polar, with cysteine, which is neutral and slightly polar, at codon 57 of the LOXL3 protein (p.Arg57Cys). In summary, the available evidence is currently insufficient to determine the role of this variant in disease. Therefore, it has been classified as a Variant of Uncertain Significance. Algorithms developed to predict the effect of missense changes on protein structure and function (SIFT, PolyPhen-2, Align-GVGD) all suggest that this variant is likely to be disruptive. This variant has not been reported in the literature in individuals affected with LOXL3-related conditions. This variant is present in population databases (rs373368024, gnomAD 0.01%).

NM_032603.5(LOXL3):c.169C>T (p.Arg57Cys)

Genes: LOXL3 (lysyl oxidase like 3; minus strand), DOK1 (docking protein 1; plus strand). Cytogenetic location: 2p13.1.
Variant type: single nucleotide variant.
Coding change: c.169C>T on transcript NM_032603.5 (MANE Select); coding-DNA position 169, C replaced by T.
Protein change: p.Arg57Cys; replaces arginine 57 with cysteine.
Molecular consequence: missense variant. On other transcripts: intron variant (1).
Genome position (GRCh38, 1-based): chr2:74,552,466, G>A on the plus strand (C>T on the coding strand, the complement: LOXL3 is on the minus strand). VCF-style: chr2-74552466-G-A. GRCh37 (hg19) VCF-style: chr2-74779593-G-A.
Other names: c.169C>T, p.Arg57Cys (NM_001289164.3); c.-357-2688G>A (NM_001197260.2); short protein forms R57C.
Identifiers: ClinVar variation 1933778 (VCV001933778.4), dbSNP rs373368024, ClinGen allele CA1729248.